The following is an entry in ClinVar:

ClinVar aggregate classification (germline): Conflicting classifications of pathogenicity. Review status: criteria provided, conflicting classifications (1 of 4 stars). 2 submissions from 2 submitters: Uncertain significance (1); Likely benign (1). Last evaluated 2025-11-11.

Conditions:
Inborn genetic diseases. Identifiers: MedGen C0950123, MeSH D030342.
Baller-Gerold syndrome (BGS). Also called: CRANIOSYNOSTOSIS WITH RADIAL DEFECTS. Identifiers: Orphanet 1225, MedGen C0265308, MONDO:0009039, OMIM 218600.

Allele frequency attached by ClinVar (database versions not stated): TOPMed below 0.00001.

Submissions (2):

Ambry Genetics
Classification: Likely benign for Inborn genetic diseases. Last evaluated: 2025-11-11. Review status: criteria provided, single submitter. Criteria: Ambry Variant Classification Scheme 2023. Collection method: clinical testing. Allele origin: germline.

Labcorp Genetics (formerly Invitae), Labcorp
Classification: Uncertain significance for Baller-Gerold syndrome. Last evaluated: 2024-11-05. Review status: criteria provided, single submitter. Criteria: Invitae Variant Classification Sherloc (09022015). Collection method: clinical testing. Allele origin: germline.
Comment: This sequence change replaces asparagine, which is neutral and polar, with threonine, which is neutral and polar, at codon 699 of the RECQL4 protein (p.Asn699Thr). This variant is not present in population databases (gnomAD no frequency). This variant has not been reported in the literature in individuals affected with RECQL4-related conditions. ClinVar contains an entry for this variant (Variation ID: 970695). Invitae Evidence Modeling of protein sequence and biophysical properties (such as structural, functional, and spatial information, amino acid conservation, physicochemical variation, residue mobility, and thermodynamic stability) indicates that this missense variant is not expected to disrupt RECQL4 protein function with a negative predictive value of 80%. In summary, the available evidence is currently insufficient to determine the role of this variant in disease. Therefore, it has been classified as a Variant of Uncertain Significance.

NM_004260.4(RECQL4):c.2096A>C (p.Asn699Thr)

Gene: RECQL4 (RecQ like helicase 4; minus strand). Cytogenetic location: 8q24.3.
Variant type: single nucleotide variant.
Coding change: c.2096A>C on transcript NM_004260.4 (MANE Select); coding-DNA position 2096, A replaced by C.
Protein change: p.Asn699Thr; replaces asparagine 699 with threonine.
Molecular consequence: missense variant.
Genome position (GRCh38, 1-based): chr8:144,513,675, T>G on the plus strand (A>C on the coding strand, the complement: RECQL4 is on the minus strand). VCF-style: chr8-144513675-T-G. GRCh37 (hg19) VCF-style: chr8-145739059-T-G.
Other names: short protein forms N699T.
Identifiers: ClinVar variation 970695 (VCV000970695.7), dbSNP rs1827683037, ClinGen allele CA372679966.